The following is an entry in ClinVar:

ClinVar aggregate classification (germline): Uncertain significance. Review status: criteria provided, multiple submitters, no conflicts (2 of 4 stars). 2 submissions from 2 submitters: Uncertain significance (2). Last evaluated 2024-10-06.

Conditions:
Inborn genetic diseases. Identifiers: MedGen C0950123, MeSH D030342.
Progressive sclerosing poliodystrophy (MTDPS4A). Also called: NEURONAL DEGENERATION OF CHILDHOOD WITH LIVER DISEASE, PROGRESSIVE; Alpers Syndrome; ALPERS DIFFUSE DEGENERATION OF CEREBRAL GRAY MATTER WITH HEPATIC CIRRHOSIS; Alpers-Huttenlocher Syndrome; Mitochondrial DNA depletion syndrome 4A (Alpers type); Mitochondrial DNA Depletion Syndrome 4A. Identifiers: Orphanet 726, MedGen C0205710, MONDO:0008758, OMIM 203700.

Allele frequency attached by ClinVar (database versions not stated): gnomAD 0.00001; TOPMed 0.00002.
gnomAD v4.1: 2 of 1,613,930 alleles (0.00012%); highest among the groups gnomAD compares: Non-Finnish European, 0.00017%; no homozygotes.

Submissions (2):

Labcorp Genetics (formerly Invitae), Labcorp
Classification: Uncertain significance for Progressive sclerosing poliodystrophy. Last evaluated: 2024-10-06. Review status: criteria provided, single submitter. Criteria: Invitae Variant Classification Sherloc (09022015). Collection method: clinical testing. Allele origin: germline.
Comment: This sequence change replaces glutamic acid, which is acidic and polar, with glycine, which is neutral and non-polar, at codon 678 of the POLG protein (p.Glu678Gly). This variant is present in population databases (no rsID available, gnomAD 0.007%). This variant has not been reported in the literature in individuals affected with POLG-related conditions. ClinVar contains an entry for this variant (Variation ID: 1363555). Invitae Evidence Modeling of protein sequence and biophysical properties (such as structural, functional, and spatial information, amino acid conservation, physicochemical variation, residue mobility, and thermodynamic stability) has been performed for this missense variant. However, the output from this modeling did not meet the statistical confidence thresholds required to predict the impact of this variant on POLG protein function. In summary, the available evidence is currently insufficient to determine the role of this variant in disease. Therefore, it has been classified as a Variant of Uncertain Significance.

Ambry Genetics
Classification: Uncertain significance for Inborn genetic diseases. Last evaluated: 2023-12-06. Review status: criteria provided, single submitter. Criteria: Ambry Variant Classification Scheme 2023. Collection method: clinical testing. Allele origin: germline.

NM_002693.3(POLG):c.2033A>G (p.Glu678Gly)

Gene: POLG (DNA polymerase gamma, catalytic subunit; minus strand). Cytogenetic location: 15q26.1.
Variant type: single nucleotide variant.
Coding change: c.2033A>G on transcript NM_002693.3 (MANE Select); coding-DNA position 2033, A replaced by G.
Protein change: p.Glu678Gly; replaces glutamic acid 678 with glycine.
Molecular consequence: missense variant.
Genome position (GRCh38, 1-based): chr15:89,324,144, T>C on the plus strand (A>G on the coding strand, the complement: POLG is on the minus strand). VCF-style: chr15-89324144-T-C. GRCh37 (hg19) VCF-style: chr15-89867375-T-C.
Other names: c.2033A>G, p.Glu678Gly (NM_001126131.2); c.2033A>G (NM_002693.2); short protein forms E678G.
Identifiers: ClinVar variation 1363555 (VCV001363555.9), dbSNP rs1469478675, ClinGen allele CA393757541.